The following is an entry in ClinVar:

ClinVar aggregate classification (germline): Uncertain significance (1 of 4 stars; one submission).

gnomAD v4.1: 3 of 1,613,960 alleles (0.00019%); highest among the groups gnomAD compares: Non-Finnish European, 0.00017%; no homozygotes.

Submission:

Labcorp Genetics (formerly Invitae), Labcorp
Classification: Uncertain significance. Last evaluated: 2022-09-13. Review status: criteria provided, single submitter. Criteria: Invitae Variant Classification Sherloc (09022015). Collection method: clinical testing. Allele origin: germline.
Comment: This variant is not present in population databases (gnomAD no frequency). This sequence change replaces histidine, which is basic and polar, with glutamine, which is neutral and polar, at codon 939 of the AP3D1 protein (p.His939Gln). This variant has not been reported in the literature in individuals affected with AP3D1-related conditions. In summary, the available evidence is currently insufficient to determine the role of this variant in disease. Therefore, it has been classified as a Variant of Uncertain Significance. Algorithms developed to predict the effect of missense changes on protein structure and function (SIFT, PolyPhen-2, Align-GVGD) all suggest that this variant is likely to be tolerated.

NM_001261826.3(AP3D1):c.2817C>G (p.His939Gln)

Gene: AP3D1 (adaptor related protein complex 3 subunit delta 1; minus strand). Cytogenetic location: 19p13.3.
Variant type: single nucleotide variant.
Coding change: c.2817C>G on transcript NM_001261826.3 (MANE Select); coding-DNA position 2817, C replaced by G.
Protein change: p.His939Gln; replaces histidine 939 with glutamine.
Molecular consequence: missense variant.
Genome position (GRCh38, 1-based): chr19:2,111,799, G>C on the plus strand (C>G on the coding strand, the complement: AP3D1 is on the minus strand). VCF-style: chr19-2111799-G-C. GRCh37 (hg19) VCF-style: chr19-2111798-G-C.
Other names: c.2781C>G, p.His927Gln (NM_001374799.1); c.2631C>G, p.His877Gln (NM_003938.8); short protein forms H939Q, H927Q, H877Q.
Identifiers: ClinVar variation 1930234 (VCV001930234.5), dbSNP rs199976556, ClinGen allele CA403204432.